The following is an entry in ClinVar:

NM_004448.4(ERBB2):c.561C>A (p.Asn187Lys)

Gene: ERBB2 (erb-b2 receptor tyrosine kinase 2; plus strand). Cytogenetic location: 17q12.
Variant type: single nucleotide variant.
Coding change: c.561C>A on transcript NM_004448.4 (MANE Select); coding-DNA position 561, C replaced by A.
Protein change: p.Asn187Lys; replaces asparagine 187 with lysine.
Molecular consequence: missense variant. On other transcripts: non-coding transcript variant (1), intron variant (2).
Genome position (GRCh38, 1-based): chr17:39,709,439, C>A. VCF-style: chr17-39709439-C-A. GRCh37 (hg19) VCF-style: chr17-37865692-C-A.
Other names: c.561C>A, p.Asn187Lys (NM_001382786.1, NM_001382788.1, NM_001382789.1 and 17 more transcripts); c.636C>A, p.Asn212Lys (NM_001382787.1); c.552C>A, p.Asn184Lys (NM_001382791.1); c.440-419C>A (NM_001382799.1); c.74-2489C>A (NM_001382804.1); c.471C>A, p.Asn157Lys (NM_001005862.3, NM_001289938.2, NM_001382782.1 and 1 more transcripts); c.516C>A, p.Asn172Lys (NM_001289936.2); short protein forms N157K, N172K, N184K, N187K, N212K.
Identifiers: ClinVar variation 3611422 (VCV003611422.2).
Genomic context (GRCh38, chr17:39,709,439, plus strand): 5'-TTTGTGGAAGGACATCTTCCACAAGAACAACCAGCTGGCTCTCACACTGATAGACACCAA[C>A]CGCTCTCGGGCCTGTAAGCCATGCCCCTCCCTGCTGCCTCTTCTCTCAGACAGCCTGACC-3'
Protein context (NP_004439.2, residues 177-197): NQLALTLIDT[Asn187Lys]RSRACHPCSP

ClinVar aggregate classification (germline): Uncertain significance (1 of 4 stars; one submission).

gnomAD v4.1: 1 of 1,614,170 alleles (0.000062%); highest among the groups gnomAD compares: East Asian, 0.0022%; no homozygotes.

Submission:

Labcorp Genetics (formerly Invitae), Labcorp
Classification: Uncertain significance. Last evaluated: 2024-10-15. Review status: criteria provided, single submitter. Criteria: Invitae Variant Classification Sherloc (09022015). Collection method: clinical testing. Allele origin: germline.
Comment: This sequence change replaces asparagine, which is neutral and polar, with lysine, which is basic and polar, at codon 187 of the ERBB2 protein (p.Asn187Lys). This variant is not present in population databases (gnomAD no frequency). This variant has not been reported in the literature in individuals affected with ERBB2-related conditions. Invitae Evidence Modeling of protein sequence and biophysical properties (such as structural, functional, and spatial information, amino acid conservation, physicochemical variation, residue mobility, and thermodynamic stability) indicates that this missense variant is not expected to disrupt ERBB2 protein function with a negative predictive value of 80%. In summary, the available evidence is currently insufficient to determine the role of this variant in disease. Therefore, it has been classified as a Variant of Uncertain Significance.